The following is an entry in ClinVar:

NM_014855.3(AP5Z1):c.*68G>A

Gene: AP5Z1 (adaptor related protein complex 5 subunit zeta 1; plus strand). Cytogenetic location: 7p22.1.
Variant type: single nucleotide variant.
Coding change: c.*68G>A on transcript NM_014855.3 (MANE Select); 68 bases downstream of the stop codon, G replaced by A.
Molecular consequence: 3 prime UTR variant. On other transcripts: non-coding transcript variant (1).
Genome position (GRCh38, 1-based): chr7:4,791,453, G>A. VCF-style: chr7-4791453-G-A. GRCh37 (hg19) VCF-style: chr7-4831084-G-A.
Other names: c.*68G>A (LRG_1247t1, NM_001364858.1).
Identifiers: ClinVar variation 360346 (VCV000360346.8), dbSNP rs73305393, ClinGen allele CA10624048.

ClinVar aggregate classification (germline): Benign/Likely benign. Review status: criteria provided, multiple submitters, no conflicts (2 of 4 stars). 3 submissions from 3 submitters: Benign (1); Likely benign (2). Last evaluated 2019-01-28.

Conditions:
Hereditary spastic paraplegia 48. Also called: SPASTIC PARAPLEGIA 48, AUTOSOMAL RECESSIVE; Spastic paraplegia 48. Identifiers: Orphanet 306511, MedGen C3150901, MONDO:0013342, OMIM 613647.

Allele frequency attached by ClinVar (database versions not stated): gnomAD exomes 0.00179; gnomAD 0.01825 and 0.01965; 1000 Genomes Project 0.02017; TOPMed 0.02066; 1000 Genomes Project 30x 0.02295.
gnomAD v4.1: 5,351 of 1,509,058 alleles (0.35%); highest among the groups gnomAD compares: African/African-American, 6.5%; 166 homozygotes.

Submissions (3):

GeneDx
Classification: Benign. Last evaluated: 2019-01-28. Review status: criteria provided, single submitter. Criteria: GeneDx Variant Classification Process June 2021. Collection method: clinical testing. Allele origin: germline. Affected: yes.

Illumina Laboratory Services, Illumina
Classification: Likely benign for Hereditary spastic paraplegia 48. Last evaluated: 2017-04-27. Review status: criteria provided, single submitter. Criteria: ICSL Variant Classification Criteria 13 December 2019. Collection method: clinical testing. Allele origin: germline.
Comment: This variant was observed as part of a predisposition screen in an ostensibly healthy population. A literature search was performed for the gene, cDNA change, and amino acid change (where applicable). No publications were found based on this search. Allele frequency data from public databases allowed determination this variant is unlikely to cause disease. Therefore, this variant is classified as likely benign.

Breakthrough Genomics
Classification: Likely benign. Review status: criteria provided, single submitter. Criteria: ACMG Guidelines, 2015. Collection method: not provided. Allele origin: germline. Inheritance: Autosomal recessive inheritance. Affected: yes.